The following is an entry in ClinVar:

ClinVar aggregate classification (germline): Uncertain significance (1 of 4 stars; one submission).

Conditions:
Hypertrophic cardiomyopathy 26. Also called: Cardiomyopathy, familial hypertrophic, 26. Identifiers: Orphanet 75249, MedGen C4310749, MONDO:0014883, OMIM 617047.
Myofibrillar myopathy 5. Also called: Filaminopathy (type); FILAMINOPATHY, AUTOSOMAL DOMINANT. Identifiers: Orphanet 171445, MedGen C1836050, MONDO:0012289, OMIM 609524.
Distal myopathy with posterior leg and anterior hand involvement. Also called: WILLIAMS DISTAL MYOPATHY. Identifiers: Orphanet 63273, MedGen C3279722, MONDO:0013550, OMIM 614065.

Submission:

Labcorp Genetics (formerly Invitae), Labcorp
Classification: Uncertain significance for Distal myopathy with posterior leg and anterior hand involvement; Myofibrillar myopathy 5; Hypertrophic cardiomyopathy 26. Last evaluated: 2025-10-27. Review status: criteria provided, single submitter. Criteria: Invitae Variant Classification Sherloc (09022015). Collection method: clinical testing. Allele origin: germline.
Comment: This sequence change replaces valine, which is neutral and non-polar, with alanine, which is neutral and non-polar, at codon 1772 of the FLNC protein (p.Val1772Ala). This variant is not present in population databases (gnomAD no frequency). This variant has not been reported in the literature in individuals affected with FLNC-related conditions. Invitae Evidence Modeling of protein sequence and biophysical properties (such as structural, functional, and spatial information, amino acid conservation, physicochemical variation, residue mobility, and thermodynamic stability) has been performed for this missense variant. However, the output from this modeling did not meet the statistical confidence thresholds required to predict the impact of this variant on FLNC protein function. In summary, the available evidence is currently insufficient to determine the role of this variant in disease. Therefore, it has been classified as a Variant of Uncertain Significance.

NM_001458.5(FLNC):c.5315T>C (p.Val1772Ala)

Genes: FLNC-AS1 (FLNC antisense RNA 1; minus strand), FLNC (filamin C; plus strand). Cytogenetic location: 7q32.1.
Variant type: single nucleotide variant.
Coding change: c.5315T>C on transcript NM_001458.5 (MANE Select); coding-DNA position 5315, T replaced by C.
Protein change: p.Val1772Ala; replaces valine 1772 with alanine.
Molecular consequence: missense variant. On other transcripts: non-coding transcript variant (1).
Genome position (GRCh38, 1-based): chr7:128,850,400, T>C. VCF-style: chr7-128850400-T-C. GRCh37 (hg19) VCF-style: chr7-128490454-T-C.
Other names: c.5216T>C, p.Val1739Ala (NM_001127487.2); short protein forms V1739A, V1772A.
Identifiers: ClinVar variation 4812670 (VCV004812670.1).